The following is an entry in ClinVar:

NM_031483.7(ITCH):c.1934A>G (p.Asn645Ser)

Gene: ITCH (itchy E3 ubiquitin protein ligase; plus strand). Cytogenetic location: 20q11.22.
Variant type: single nucleotide variant.
Coding change: c.1934A>G on transcript NM_031483.7 (MANE Select); coding-DNA position 1934, A replaced by G.
Protein change: p.Asn645Ser; replaces asparagine 645 with serine.
Molecular consequence: missense variant.
Genome position (GRCh38, 1-based): chr20:34,480,714, A>G. VCF-style: chr20-34480714-A-G. GRCh37 (hg19) VCF-style: chr20-33068519-A-G.
Other names: c.2057A>G, p.Asn686Ser (NM_001257137.3, NM_001324197.2); c.1604A>G, p.Asn535Ser (NM_001257138.3); c.1934A>G, p.Asn645Ser (NM_001324198.2); short protein forms N686S, N645S, N535S.
Identifiers: ClinVar variation 841859 (VCV000841859.5), dbSNP rs766959569, ClinGen allele CA9821842.

ClinVar aggregate classification (germline): Uncertain significance (1 of 4 stars; one submission).

Conditions:
Syndromic multisystem autoimmune disease due to ITCH deficiency. Also called: AUTOIMMUNE DISEASE, MULTISYSTEM, WITH FACIAL DYSMORPHISM. Identifiers: Orphanet 228426, MedGen C3150649, MONDO:0013245, OMIM 613385.

Allele frequency attached by ClinVar (database versions not stated): gnomAD exomes 0.00005 and 0.00008; TOPMed 0.00006; gnomAD 0.00008; ExAC 0.00009; 1000 Genomes Project 30x 0.00031.
gnomAD v4.1: 88 of 1,607,430 alleles (0.0055%); highest among the groups gnomAD compares: East Asian, 0.11%; no homozygotes.

Submission:

Labcorp Genetics (formerly Invitae), Labcorp
Classification: Uncertain significance for Syndromic multisystem autoimmune disease due to ITCH deficiency. Last evaluated: 2024-12-23. Review status: criteria provided, single submitter. Criteria: Invitae Variant Classification Sherloc (09022015). Collection method: clinical testing. Allele origin: germline.
Comment: This sequence change replaces asparagine, which is neutral and polar, with serine, which is neutral and polar, at codon 645 of the ITCH protein (p.Asn645Ser). This variant is present in population databases (rs766959569, gnomAD 0.05%). This variant has not been reported in the literature in individuals affected with ITCH-related conditions. ClinVar contains an entry for this variant (Variation ID: 841859). An algorithm developed to predict the effect of missense changes on protein structure and function (PolyPhen-2) suggests that this variant is likely to be disruptive. In summary, the available evidence is currently insufficient to determine the role of this variant in disease. Therefore, it has been classified as a Variant of Uncertain Significance.